The following is an entry in ClinVar:

NM_014254.3(RXYLT1):c.501_511del (p.Asn167fs)

Gene: RXYLT1 (ribitol xylosyltransferase 1; plus strand). Cytogenetic location: 12q14.2.
Variant type: Deletion.
Coding change: c.501_511del on transcript NM_014254.3 (MANE Select); coding-DNA positions 501 to 511, 11 bases deleted (TGGAAGAGAAA).
Protein change: p.Asn167fs; shifts the reading frame from asparagine 167.
Molecular consequence: frameshift variant. On other transcripts: 5 prime UTR variant (1).
Genome position (GRCh38, 1-based): chr12:63,802,163-63,802,173, TGGAAGAGAAA deleted; deleting any 11 consecutive bases within chr12:63,802,160-63,802,173 gives the same sequence; the c. name uses the placement nearest the transcript's 3' end. VCF-style (leftmost placement, unchanged base first): chr12-63802159-TAAATGGAAGAG-T. GRCh37 (hg19) VCF-style: chr12-64195939-TAAATGGAAGAG-T.
Other names: c.-280_-270del (NM_001278237.2); short protein forms N167fs.
Identifiers: ClinVar variation 2990545 (VCV002990545.3), dbSNP rs1898174031, ClinGen allele CA948532028.
Genomic context (GRCh38, chr12:63,802,159, plus strand): 5'-CTGGTCCAGCTGTAATACCAGGGTACTTCTCCGTTGATGTGAATAATGTGGTACTCATTT[TAAATGGAAGAG>T]AAAAAGCAAAGATCTTTTATGCCACCCAGTGGTTACTTTATGCACAAAATTTAGTGCAAA-3'

ClinVar aggregate classification (germline): Pathogenic (1 of 4 stars; one submission).

Submission:

Labcorp Genetics (formerly Invitae), Labcorp
Classification: Pathogenic. Last evaluated: 2023-03-10. Review status: criteria provided, single submitter. Criteria: Invitae Variant Classification Sherloc (09022015). Collection method: clinical testing. Allele origin: germline.
Comment: This sequence change creates a premature translational stop signal (p.Asn167Lysfs*34) in the RXYLT1 gene. It is expected to result in an absent or disrupted protein product. Loss-of-function variants in RXYLT1 are known to be pathogenic (PMID: 23217329, 23519211, 31742715). For these reasons, this variant has been classified as Pathogenic. This variant has not been reported in the literature in individuals affected with RXYLT1-related conditions. This variant is not present in population databases (gnomAD no frequency).

Literature cited by the submitters: PubMed 23217329; PubMed 23519211; PubMed 31742715.